The following is an entry in ClinVar:

ClinVar aggregate classification (germline): Likely benign (1 of 4 stars; one submission).

Conditions:
EPS8L2-related disorder. Also called: EPS8L2-related condition.

gnomAD v4.1: 37 of 1,540,274 alleles (0.0024%); highest among the groups gnomAD compares: Non-Finnish European, 0.0027%; no homozygotes.

Submission:

PreventionGenetics, part of Exact Sciences
Classification: Likely benign for EPS8L2-related condition. Last evaluated: 2025-02-19. Review status: criteria provided, single submitter. Criteria: ACMG Guidelines, 2015. Collection method: clinical testing. Allele origin: germline.
Comment: This variant is classified as likely benign based on ACMG/AMP sequence variant interpretation guidelines (Richards et al. 2015 PMID: 25741868, with internal and published modifications).

NM_022772.4(EPS8L2):c.701-6C>T

Gene: EPS8L2 (EPS8 signaling adaptor L2; plus strand). Cytogenetic location: 11p15.5.
Variant type: single nucleotide variant.
Coding change: c.701-6C>T on transcript NM_022772.4 (MANE Select); 6 bases into the intron before coding-DNA position 701, C replaced by T.
Molecular consequence: intron variant.
Genome position (GRCh38, 1-based): chr11:721,279, C>T. VCF-style: chr11-721279-C-T. GRCh37 (hg19) VCF-style: chr11-721279-C-T.
Other names: c.701-6C>T (NM_001441192.1, NM_001441193.1); c.164-6C>T (NM_001441194.1).
Identifiers: ClinVar variation 4980617 (VCV004980617.1).